The following is an entry in ClinVar:

NM_014780.5(CUL7):c.4441-2A>G

Gene: CUL7 (cullin 7; minus strand). Cytogenetic location: 6p21.1.
Variant type: single nucleotide variant.
Coding change: c.4441-2A>G on transcript NM_014780.5 (MANE Select); the canonical splice acceptor site of the intron before coding-DNA position 4441, A replaced by G.
Molecular consequence: splice acceptor variant.
Genome position (GRCh38, 1-based): chr6:43,038,694, T>C on the plus strand (A>G on the coding strand, the complement: CUL7 is on the minus strand). VCF-style: chr6-43038694-T-C. GRCh37 (hg19) VCF-style: chr6-43006432-T-C.
Other names: c.4537-2A>G (NM_001168370.2, NM_001374872.1); c.4438-2A>G (NM_001374874.1); c.4441-2A>G (NM_001374873.1).
Identifiers: ClinVar variation 4725138 (VCV004725138.1).

ClinVar aggregate classification (germline): Likely pathogenic (1 of 4 stars; one submission).

Submission:

Labcorp Genetics (formerly Invitae), Labcorp
Classification: Likely pathogenic. Last evaluated: 2025-12-29. Review status: criteria provided, single submitter. Criteria: Invitae Variant Classification Sherloc (09022015). Collection method: clinical testing. Allele origin: germline.
Comment: This sequence change affects an acceptor splice site in intron 23 of the CUL7 gene. It is expected to disrupt RNA splicing. Variants that disrupt the donor or acceptor splice site typically lead to a loss of protein function (PMID: 16199547), and loss-of-function variants in CUL7 are known to be pathogenic (PMID: 16142236, 17675530, 19225462). This variant is not present in population databases (gnomAD no frequency). This variant has not been reported in the literature in individuals affected with CUL7-related conditions. Algorithms developed to predict the effect of sequence changes on RNA splicing suggest that this variant may disrupt the consensus splice site. In summary, the currently available evidence indicates that the variant is pathogenic, but additional data are needed to prove that conclusively. Therefore, this variant has been classified as Likely Pathogenic.

Literature cited by the submitters: PubMed 16199547; PubMed 16142236; PubMed 17675530; PubMed 19225462.